The following is an entry in ClinVar:

ClinVar aggregate classification (germline): Conflicting classifications of pathogenicity. Review status: criteria provided, conflicting classifications (1 of 4 stars). 5 submissions from 5 submitters: Uncertain significance (1); Likely benign (3). 1 of the submissions does not count toward it. Last evaluated 2026-01-05.

Conditions:
Usher syndrome type 1 (USH1). Also called: RETINITIS PIGMENTOSA AND CONGENITAL DEAFNESS. Identifiers: Orphanet 231169, Orphanet 886, MedGen C1568247, MONDO:0010168, OMIM 276900.
CDH23-related disorder. Also called: CDH23-related disorders; CDH23-related condition.

Allele frequency attached by ClinVar (database versions not stated): gnomAD exomes below 0.00001; ExAC 0.00003; TOPMed 0.00003; gnomAD 0.00007.
gnomAD v4.1: 17 of 1,613,892 alleles (0.0011%); highest among the groups gnomAD compares: Admixed American, 0.015%; no homozygotes.

Submissions (5):

Labcorp Genetics (formerly Invitae), Labcorp
Classification: Likely benign. Last evaluated: 2026-01-05. Review status: criteria provided, single submitter. Criteria: Invitae Variant Classification Sherloc (09022015). Collection method: clinical testing. Allele origin: germline.

PreventionGenetics, part of Exact Sciences
Classification: Likely benign for CDH23-related condition. Last evaluated: 2024-11-08. Review status: criteria provided, single submitter. Criteria: ACMG Guidelines, 2015. Collection method: clinical testing. Allele origin: germline.
Comment: This variant is classified as likely benign based on ACMG/AMP sequence variant interpretation guidelines (Richards et al. 2015 PMID: 25741868, with internal and published modifications).

Blueprint Genetics
Classification: Likely benign. Last evaluated: 2024-11-06. Review status: criteria provided, single submitter. Criteria: ACMG Guidelines, 2015. Collection method: clinical testing. Allele origin: germline.

GeneDx
Classification: Uncertain significance. Last evaluated: 2024-06-03. Review status: criteria provided, single submitter. Criteria: GeneDx Variant Classification Process June 2021. Collection method: clinical testing. Allele origin: germline. Affected: yes.
Comment: Not observed at significant frequency in large population cohorts (gnomAD); In silico analysis indicates that this variant does not alter splicing; Has not been previously published as pathogenic or benign to our knowledge

Natera, Inc.
Classification: Uncertain significance for Usher syndrome type 1. Last evaluated: 2020-01-24. Review status: no assertion criteria provided. Collection method: clinical testing. Allele origin: germline. Not counted in ClinVar's aggregate classification.

NM_022124.6(CDH23):c.8421C>T (p.Ser2807=)

Gene: CDH23 (cadherin related 23; plus strand). Cytogenetic location: 10q22.1.
Variant type: single nucleotide variant.
Coding change: c.8421C>T on transcript NM_022124.6 (MANE Select); coding-DNA position 8421, C replaced by T.
Protein change: p.Ser2807=; no amino-acid change (serine 2807 retained).
Molecular consequence: synonymous variant.
Genome position (GRCh38, 1-based): chr10:71,807,628, C>T. VCF-style: chr10-71807628-C-T. GRCh37 (hg19) VCF-style: chr10-73567385-C-T.
Other names: c.1701C>T, p.Ser567= (NM_001171933.1, NM_001171934.1).
Identifiers: ClinVar variation 745198 (VCV000745198.14), dbSNP rs755841293, ClinGen allele CA5546648.